The following is an entry in ClinVar:

ClinVar aggregate classification (germline): Uncertain significance (1 of 4 stars; one submission).

Conditions:
Hereditary cancer-predisposing syndrome. Also called: Hereditary neoplastic syndrome; Neoplastic Syndromes, Hereditary; Tumor predisposition; Hereditary Cancer Syndrome. Identifiers: Orphanet 140162, MedGen C0027672, MeSH D009386, MONDO:0015356.

Submission:

Ambry Genetics
Classification: Uncertain significance for Hereditary cancer-predisposing syndrome. Last evaluated: 2025-08-27. Review status: criteria provided, single submitter. Criteria: Ambry Variant Classification Scheme 2023. Collection method: clinical testing. Allele origin: germline.
Comment: The p.R70M variant (also known as c.209G>T), located in coding exon 3 of the MUTYH gene, results from a G to T substitution at nucleotide position 209. The arginine at codon 70 is replaced by methionine, an amino acid with similar properties. This amino acid position is conserved. In addition, this alteration is predicted to be tolerated by in silico analysis. Based on the available evidence, the clinical significance of this variant remains unclear.

NM_001048174.2(MUTYH):c.125G>T (p.Arg42Met)

Gene: MUTYH (mutY DNA glycosylase; minus strand). Cytogenetic location: 1p34.1.
Variant type: single nucleotide variant.
Coding change: c.125G>T on transcript NM_001048174.2 (MANE Select); coding-DNA position 125, G replaced by T.
Protein change: p.Arg42Met; replaces arginine 42 with methionine.
Molecular consequence: missense variant. On other transcripts: 5 prime UTR variant (1), non-coding transcript variant (5), intron variant (5).
Genome position (GRCh38, 1-based): chr1:45,333,552, C>A on the plus strand (G>T on the coding strand, the complement: MUTYH is on the minus strand). VCF-style: chr1-45333552-C-A. GRCh37 (hg19) VCF-style: chr1-45799224-C-A.
Other names: c.170G>T, p.Arg57Met (NM_001293190.2); c.158G>T, p.Arg53Met (NM_001293191.2, NM_001407077.1); c.125G>T, p.Arg42Met (NM_001293195.2, NM_001407070.1, NM_001407072.1 and 6 more transcripts); c.-147G>T (NM_001350650.2); c.200G>T, p.Arg67Met (NM_001407069.1, NM_012222.3); c.128G>T, p.Arg43Met (NM_001407071.1, NM_001407078.1, NM_001407079.1 and 2 more transcripts); c.167G>T, p.Arg56Met (NM_001407073.1, NM_001407083.1, NM_001407085.1); c.41G>T, p.Arg14Met (NM_001407075.1); and 4 more; short protein forms R14M, R49M, R53M, R57M, R42M, R70M, R43M, R56M.
Identifiers: ClinVar variation 4113501 (VCV004113501.1).